The following is an entry in ClinVar:

ClinVar aggregate classification (germline): Uncertain significance. Review status: criteria provided, multiple submitters, no conflicts (2 of 4 stars). 2 submissions from 2 submitters: Uncertain significance (2). Last evaluated 2023-11-15.

Conditions:
Hereditary cancer-predisposing syndrome. Also called: Neoplastic Syndromes, Hereditary; Hereditary Cancer Syndrome; Hereditary neoplastic syndrome; Tumor predisposition. Identifiers: Orphanet 140162, MedGen C0027672, MeSH D009386, MONDO:0015356.

Allele frequency attached by ClinVar (database versions not stated): gnomAD exomes below 0.00001; ExAC 0.00001.
gnomAD v4.1: 1 of 1,610,602 alleles (0.000062%); highest among the groups gnomAD compares: Non-Finnish European, 0.000085%; no homozygotes.

Submissions (2):

Labcorp Genetics (formerly Invitae), Labcorp
Classification: Uncertain significance. Last evaluated: 2023-11-15. Review status: criteria provided, single submitter. Criteria: Invitae Variant Classification Sherloc (09022015). Collection method: clinical testing. Allele origin: germline.
Comment: This sequence change replaces proline, which is neutral and non-polar, with threonine, which is neutral and polar, at codon 2282 of the POLE protein (p.Pro2282Thr). This variant is present in population databases (rs760606145, gnomAD 0.0009%). This variant has not been reported in the literature in individuals affected with POLE-related conditions. ClinVar contains an entry for this variant (Variation ID: 540786). An algorithm developed to predict the effect of missense changes on protein structure and function (PolyPhen-2) suggests that this variant is likely to be tolerated. In summary, the available evidence is currently insufficient to determine the role of this variant in disease. Therefore, it has been classified as a Variant of Uncertain Significance.

Ambry Genetics
Classification: Uncertain significance for Hereditary cancer-predisposing syndrome. Last evaluated: 2023-10-13. Review status: criteria provided, single submitter. Criteria: Ambry Variant Classification Scheme 2023. Collection method: clinical testing. Allele origin: germline.
Comment: The p.P2282T variant (also known as c.6844C>A), located in coding exon 49 of the POLE gene, results from a C to A substitution at nucleotide position 6844. The proline at codon 2282 is replaced by threonine, an amino acid with highly similar properties. This amino acid position is conserved. In addition, this alteration is predicted to be tolerated by in silico analysis. Since supporting evidence is limited at this time, the clinical significance of this alteration remains unclear.

NM_006231.4(POLE):c.6844C>A (p.Pro2282Thr)

Gene: POLE (DNA polymerase epsilon, catalytic subunit; minus strand). Cytogenetic location: 12q24.33.
Variant type: single nucleotide variant.
Coding change: c.6844C>A on transcript NM_006231.4 (MANE Select); coding-DNA position 6844, C replaced by A.
Protein change: p.Pro2282Thr; replaces proline 2282 with threonine.
Molecular consequence: missense variant.
Genome position (GRCh38, 1-based): chr12:132,624,714, G>T on the plus strand (C>A on the coding strand, the complement: POLE is on the minus strand). VCF-style: chr12-132624714-G-T. GRCh37 (hg19) VCF-style: chr12-133201300-G-T.
Other names: c.6844C>A (NM_006231.2); short protein forms P2282T.
Identifiers: ClinVar variation 540786 (VCV000540786.12), dbSNP rs760606145, ClinGen allele CA6891951.
Genomic context (GRCh38, chr12:132,624,714, plus strand): 5'-GAGGCCTGGCACGGACGCAGAGGCACCCGGGGCCCGGGGCTGGCTAATGGCCCAGCTGTG[G>T]GTTCTTCTGCAGCAGCCACTCCAGGGTCTCCAGGAGGTACGACATGCCGTAGTGCTGGGC-3'
Protein context (NP_006222.2, residues 2272-2286): ETLEWLLQKN[Pro2282Thr]QLGH